The following is an entry in ClinVar:

ClinVar aggregate classification (germline): Likely benign (1 of 4 stars; one submission).

Submission:

CeGaT Center for Human Genetics Tuebingen
Classification: Likely benign. Last evaluated: 2025-12-01. Review status: criteria provided, single submitter. Criteria: CeGaT Center For Human Genetics Tuebingen Variant Classification Criteria Version 2. Collection method: clinical testing. Allele origin: germline. Affected: yes. Observed: 1 variant allele.
Comment: B3GALT6: BP4, BP7

NM_080605.4(B3GALT6):c.513C>A (p.Arg171=)

Gene: B3GALT6 (beta-1,3-galactosyltransferase 6; plus strand). Cytogenetic location: 1p36.33.
Variant type: single nucleotide variant.
Coding change: c.513C>A on transcript NM_080605.4 (MANE Select); coding-DNA position 513, C replaced by A.
Protein change: p.Arg171=; no amino-acid change (arginine 171 retained).
Molecular consequence: synonymous variant.
Genome position (GRCh38, 1-based): chr1:1,232,791, C>A. VCF-style: chr1-1232791-C-A. GRCh37 (hg19) VCF-style: chr1-1168171-C-A.
Identifiers: ClinVar variation 4681939 (VCV004681939.5).
Genomic context (GRCh38, chr1:1,232,791, plus strand): 5'-CGTGCTCAAGGCGGACGACGACTCCTTCGCGCGGCTGGACGCGCTGCTGGCCGAGCTGCG[C>A]GCCCGCGAGCCCGCGCGCCGCCGCCGCCTCTACTGGGGCTTCTTCTCGGGCCGCGGCCGC-3'
Protein context (NP_542172.2, residues 161-181): ARLDALLAEL[Arg171=]AREPARRRRL